The following is an entry in ClinVar:

NM_007227.3(GPR45):c.531G>A (p.Ala177=)

Gene: GPR45 (G protein-coupled receptor 45; plus strand). Cytogenetic location: 2q12.1.
Variant type: single nucleotide variant.
Coding change: c.531G>A on transcript NM_007227.3 (MANE Select); coding-DNA position 531, G replaced by A.
Protein change: p.Ala177=; no amino-acid change (alanine 177 retained).
Molecular consequence: synonymous variant.
Genome position (GRCh38, 1-based): chr2:105,242,389, G>A. VCF-style: chr2-105242389-G-A. GRCh37 (hg19) VCF-style: chr2-105858846-G-A.
Identifiers: ClinVar variation 4720204 (VCV004720204.1).

ClinVar aggregate classification (germline): Uncertain significance (1 of 4 stars; one submission).

Submission:

Labcorp Genetics (formerly Invitae), Labcorp
Classification: Uncertain significance. Last evaluated: 2025-05-25. Review status: criteria provided, single submitter. Criteria: Invitae Variant Classification Sherloc (09022015). Collection method: clinical testing. Allele origin: germline.
Comment: This sequence change affects codon 177 of the GPR45 mRNA. It is a 'silent' change, meaning that it does not change the encoded amino acid sequence of the GPR45 protein. This variant is not present in population databases (gnomAD no frequency). This variant has not been reported in the literature in individuals affected with GPR45-related conditions. In summary, the available evidence is currently insufficient to determine the role of this variant in disease. Therefore, it has been classified as a Variant of Uncertain Significance.